The following is an entry in ClinVar:

ClinVar aggregate classification (germline): Uncertain significance (1 of 4 stars; one submission).

Allele frequency attached by ClinVar (database versions not stated): gnomAD 0.00001; ExAC 0.00002; gnomAD exomes below 0.00001; TOPMed 0.00001.
gnomAD v4.1: 8 of 1,612,638 alleles (0.0005%); highest among the groups gnomAD compares: Admixed American, 0.0083%; no homozygotes.

Submission:

Labcorp Genetics (formerly Invitae), Labcorp
Classification: Uncertain significance. Last evaluated: 2025-08-21. Review status: criteria provided, single submitter. Criteria: Invitae Variant Classification Sherloc (09022015). Collection method: clinical testing. Allele origin: germline.
Comment: This sequence change replaces glycine, which is neutral and non-polar, with glutamic acid, which is acidic and polar, at codon 895 of the ITSN2 protein (p.Gly895Glu). This variant is present in population databases (rs764409422, gnomAD 0.01%). This variant has not been reported in the literature in individuals affected with ITSN2-related conditions. ClinVar contains an entry for this variant (Variation ID: 2723127). Experimental studies and prediction algorithms are not available or were not evaluated, and the functional significance of this variant is currently unknown. In summary, the available evidence is currently insufficient to determine the role of this variant in disease. Therefore, it has been classified as a Variant of Uncertain Significance.

NM_006277.3(ITSN2):c.2684G>A (p.Gly895Glu)

Gene: ITSN2 (intersectin 2; minus strand). Cytogenetic location: 2p23.3.
Variant type: single nucleotide variant.
Coding change: c.2684G>A on transcript NM_006277.3 (MANE Select); coding-DNA position 2684, G replaced by A.
Protein change: p.Gly895Glu; replaces glycine 895 with glutamic acid.
Molecular consequence: missense variant.
Genome position (GRCh38, 1-based): chr2:24,258,092, C>T on the plus strand (G>A on the coding strand, the complement: ITSN2 is on the minus strand). VCF-style: chr2-24258092-C-T. GRCh37 (hg19) VCF-style: chr2-24480961-C-T.
Other names: c.2642G>A, p.Gly881Glu (NM_001348181.2); c.2564G>A, p.Gly855Glu (NM_001348182.2, NM_001348186.2); c.2603G>A, p.Gly868Glu (NM_001348183.2, NM_019595.4); c.2561G>A, p.Gly854Glu (NM_001348184.2); c.2645G>A, p.Gly882Glu (NM_001348185.2); c.2684G>A, p.Gly895Glu (NM_147152.3); short protein forms G882E, G868E, G881E, G855E, G895E, G854E.
Identifiers: ClinVar variation 2723127 (VCV002723127.3), dbSNP rs764409422, ClinGen allele CA1551098.